The following is an entry in ClinVar:

ClinVar aggregate classification (germline): Benign (1 of 4 stars; one submission).

Conditions:
Peroxisome biogenesis disorder 10A (Zellweger). Also called: Peroxisome biogenesis disorder 10A. Identifiers: Orphanet 912, MedGen C3553999, MONDO:0013948, OMIM 614882.

Allele frequency attached by ClinVar (database versions not stated): gnomAD exomes 0.70988; 1000 Genomes Project 0.79273; gnomAD 0.80441 and 0.81061; TOPMed 0.82328.
gnomAD v4.1: 123,114 of 153,614 alleles (80%); highest among the groups gnomAD compares: African/African-American, 90%; 49,744 homozygotes.

Submission:

Illumina Laboratory Services, Illumina
Classification: Benign for Peroxisome biogenesis disorder 10A (Zellweger). Last evaluated: 2018-01-13. Review status: criteria provided, single submitter. Criteria: ICSL Variant Classification Criteria 13 December 2019. Collection method: clinical testing. Allele origin: germline.
Comment: This variant was observed in the ICSL laboratory as part of a predisposition screen in an ostensibly healthy population. It had not been previously curated by ICSL or reported in the Human Gene Mutation Database (HGMD: prior to June 1st, 2018), and was therefore a candidate for classification through an automated scoring system. Utilizing variant allele frequency, disease prevalence and penetrance estimates, and inheritance mode, an automated score was calculated to assess if this variant is too frequent to cause the disease. Based on the score and internal cut-off values, a variant classified as benign is not then subjected to further curation. The score for this variant resulted in a classification of benign for this disease.

NM_003630.3(PEX3):c.*319A>T

Gene: PEX3 (peroxisomal biogenesis factor 3; plus strand). Cytogenetic location: 6q24.2.
Variant type: single nucleotide variant.
Coding change: c.*319A>T on transcript NM_003630.3 (MANE Select); 319 bases downstream of the stop codon, A replaced by T.
Molecular consequence: 3 prime UTR variant.
Genome position (GRCh38, 1-based): chr6:143,489,545, A>T. VCF-style: chr6-143489545-A-T. GRCh37 (hg19) VCF-style: chr6-143810682-A-T.
Identifiers: ClinVar variation 355582 (VCV000355582.5), dbSNP rs223234, ClinGen allele CA10626125.